The following is an entry in ClinVar:

ClinVar aggregate classification (germline): Conflicting classifications of pathogenicity. Review status: criteria provided, conflicting classifications (1 of 4 stars). 3 submissions from 3 submitters: Uncertain significance (2); Benign (1). Last evaluated 2024-10-22.

Conditions:
Intellectual disability. Also called: Intellectual functioning disability; intellectual disabilities; Intellectual developmental disorder. Identifiers: MedGen C3714756, MeSH D008607, MONDO:0001071, HP:0001249.

Allele frequency attached by ClinVar (database versions not stated): gnomAD 0.00001; gnomAD exomes 0.00001; TOPMed 0.00002.
gnomAD v4.1: 11 of 1,613,990 alleles (0.00068%); highest among the groups gnomAD compares: African/African-American, 0.0013%; no homozygotes.

Submissions (3):

Blueprint Genetics
Classification: Uncertain significance. Last evaluated: 2024-10-22. Review status: criteria provided, single submitter. Criteria: ACMG Guidelines, 2015. Collection method: clinical testing. Allele origin: germline.

Labcorp Genetics (formerly Invitae), Labcorp
Classification: Benign for Intellectual disability. Last evaluated: 2022-02-03. Review status: criteria provided, single submitter. Criteria: Invitae Variant Classification Sherloc (09022015). Collection method: clinical testing. Allele origin: germline.

GeneDx
Classification: Uncertain significance. Last evaluated: 2020-02-06. Review status: criteria provided, single submitter. Criteria: GeneDx Variant Classification Process June 2021. Collection method: clinical testing. Allele origin: germline. Affected: yes.
Comment: In silico analysis supports that this missense variant does not alter protein structure/function; Has not been previously published as pathogenic or benign to our knowledge

NM_001371727.1(GABRB2):c.1382C>T (p.Ala461Val)

Gene: GABRB2 (gamma-aminobutyric acid type A receptor subunit beta2; minus strand). Cytogenetic location: 5q34.
Variant type: single nucleotide variant.
Coding change: c.1382C>T on transcript NM_001371727.1 (MANE Select); coding-DNA position 1382, C replaced by T.
Protein change: p.Ala461Val; replaces alanine 461 with valine.
Molecular consequence: missense variant.
Genome position (GRCh38, 1-based): chr5:161,294,238, G>A on the plus strand (C>T on the coding strand, the complement: GABRB2 is on the minus strand). VCF-style: chr5-161294238-G-A. GRCh37 (hg19) VCF-style: chr5-160721245-G-A.
Other names: c.1268C>T, p.Ala423Val (NM_000813.3); c.1382C>T, p.Ala461Val (NM_021911.3); short protein forms A423V, A461V.
Identifiers: ClinVar variation 1315081 (VCV001315081.10), dbSNP rs952831120, ClinGen allele CA131016123.
Genomic context (GRCh38, chr5:161,294,238, plus strand): 5'-AAGTCAGGGATGGTGATTTTCAGTTGGGAGGCGCGTCTCCTCAGGCGACTTTTCTTTTGC[G>A]CCACATGTCGTTCCAGAGCATTTCGGCCAAAACTATGCCTGGGCAACCCAGCTTTCCGAT-3'
Protein context (NP_001358656.1, residues 451-471): FGRNALERHV[Ala461Val]QKKSRLRRRA